The following is an entry in ClinVar:

ClinVar aggregate classification (germline): Uncertain significance. Review status: criteria provided, multiple submitters, no conflicts (2 of 4 stars). 6 submissions from 6 submitters: Uncertain significance (5). 1 of the submissions does not count toward it. Last evaluated 2024-05-19.

Conditions:
Hereditary cancer-predisposing syndrome. Also called: Neoplastic Syndromes, Hereditary; Hereditary Cancer Syndrome; Tumor predisposition; Hereditary neoplastic syndrome. Identifiers: Orphanet 140162, MedGen C0027672, MeSH D009386, MONDO:0015356.
Ataxia-telangiectasia syndrome (AT). Also called: LOUIS-BAR SYNDROME; Cerebello-oculocutaneous telangiectasia; Immunodeficiency with ataxia telangiectasia; Ataxia-telangiectasia, complementation group D; AT, COMPLEMENTATION GROUP C; Ataxia-telangiectasia, complementation group E. Identifiers: Orphanet 100, MedGen C0004135, MONDO:0008840, OMIM 208900.
Familial cancer of breast. Also called: Hereditary breast cancer; BREAST CANCER, FAMILIAL; hereditary breast carcinoma. Identifiers: Orphanet 227535, MedGen C0346153, MONDO:0016419, OMIM 114480. Disease mechanism: loss of function.

Allele frequency attached by ClinVar (database versions not stated): gnomAD exomes 0.00001 and below 0.00001; ExAC 0.00001.
gnomAD v4.1: 5 of 1,613,298 alleles (0.00031%); highest among the groups gnomAD compares: Non-Finnish European, 0.00042%; no homozygotes.

Submissions (6):

Labcorp Genetics (formerly Invitae), Labcorp
Classification: Uncertain significance for Ataxia-telangiectasia syndrome. Last evaluated: 2024-05-19. Review status: criteria provided, single submitter. Criteria: Invitae Variant Classification Sherloc (09022015). Collection method: clinical testing. Allele origin: germline.
Comment: This sequence change replaces isoleucine, which is neutral and non-polar, with methionine, which is neutral and non-polar, at codon 2629 of the ATM protein (p.Ile2629Met). This variant is present in population databases (rs752886000, gnomAD 0.0009%). This variant has not been reported in the literature in individuals affected with ATM-related conditions. ClinVar contains an entry for this variant (Variation ID: 481332). Algorithms developed to predict the effect of missense changes on protein structure and function output the following: SIFT: "Not Available"; PolyPhen-2: "Benign"; Align-GVGD: "Not Available". The methionine amino acid residue is found in multiple mammalian species, which suggests that this missense change does not adversely affect protein function. In summary, the available evidence is currently insufficient to determine the role of this variant in disease. Therefore, it has been classified as a Variant of Uncertain Significance.

Color Diagnostics, LLC DBA Color Health
Classification: Uncertain significance for Hereditary cancer-predisposing syndrome. Last evaluated: 2024-04-30. Review status: criteria provided, single submitter. Criteria: ACMG Guidelines, 2015. Collection method: clinical testing. Allele origin: germline.
Comment: This missense variant replaces isoleucine with methionine at codon 2629 of the ATM protein. Computational prediction suggests that this variant may not impact protein structure and function. To our knowledge, functional studies have not been reported for this variant. This variant has not been reported in individuals affected with ATM-related disorders in the literature. This variant has been identified in 1/250744 chromosomes in the general population by the Genome Aggregation Database (gnomAD). The available evidence is insufficient to determine the role of this variant in disease conclusively. Therefore, this variant is classified as a Variant of Uncertain Significance.

Ambry Genetics
Classification: Uncertain significance for Hereditary cancer-predisposing syndrome. Last evaluated: 2024-02-18. Review status: criteria provided, single submitter. Criteria: Ambry Variant Classification Scheme 2023. Collection method: clinical testing. Allele origin: germline.
Comment: The p.I2629M variant (also known as c.7887A>G), located in coding exon 52 of the ATM gene, results from an A to G substitution at nucleotide position 7887. The isoleucine at codon 2629 is replaced by methionine, an amino acid with highly similar properties. This amino acid position is not well conserved in available vertebrate species. In addition, this alteration is predicted to be tolerated by in silico analysis. Since supporting evidence is limited at this time, the clinical significance of this alteration remains unclear.

Baylor Genetics
Classification: Uncertain significance for Familial cancer of breast. Last evaluated: 2023-11-18. Review status: criteria provided, single submitter. Criteria: ACMG Guidelines, 2015. Collection method: clinical testing. Allele origin: unknown.

GeneDx
Classification: Uncertain significance. Last evaluated: 2021-08-16. Review status: criteria provided, single submitter. Criteria: GeneDx Variant Classification Process June 2021. Collection method: clinical testing. Allele origin: germline. Affected: yes.
Comment: Not observed at a significant frequency in large population cohorts (Lek 2016); In silico analysis, which includes protein predictors and evolutionary conservation, supports that this variant does not alter protein structure/function; Observed in individuals with renal cancer (Yehia 2018); This variant is associated with the following publications: (PMID: 29684080)

Natera, Inc.
Classification: Uncertain significance for Ataxia-telangiectasia. Last evaluated: 2021-06-28. Review status: no assertion criteria provided. Collection method: clinical testing. Allele origin: germline. Not counted in ClinVar's aggregate classification.

NM_000051.4(ATM):c.7887A>G (p.Ile2629Met)

Genes: ATM (ATM serine/threonine kinase; plus strand), C11orf65 (chromosome 11 open reading frame 65; minus strand). Cytogenetic location: 11q22.3.
Variant type: single nucleotide variant.
Coding change: c.7887A>G on transcript NM_000051.4 (MANE Select); coding-DNA position 7887, A replaced by G.
Protein change: p.Ile2629Met; replaces isoleucine 2629 with methionine.
Molecular consequence: missense variant. On other transcripts: intron variant (2).
Genome position (GRCh38, 1-based): chr11:108,332,860, A>G. VCF-style: chr11-108332860-A-G. GRCh37 (hg19) VCF-style: chr11-108203587-A-G.
Other names: c.7887A>G, p.Ile2629Met (NM_001351834.2); c.641-23789T>C (NM_001330368.2); c.*38+2360T>C (NM_001351110.2); short protein forms I2629M.
Identifiers: ClinVar variation 481332 (VCV000481332.29), dbSNP rs752886000, ClinGen allele CA6266206.